The following is an entry in ClinVar:

NM_012199.5(AGO1):c.1211C>A (p.Thr404Lys)

Gene: AGO1 (argonaute RISC component 1; plus strand). Cytogenetic location: 1p34.3.
Variant type: single nucleotide variant.
Coding change: c.1211C>A on transcript NM_012199.5 (MANE Select); coding-DNA position 1211, C replaced by A.
Protein change: p.Thr404Lys; replaces threonine 404 with lysine.
Molecular consequence: missense variant.
Genome position (GRCh38, 1-based): chr1:35,902,018, C>A. VCF-style: chr1-35902018-C-A. GRCh37 (hg19) VCF-style: chr1-36367619-C-A.
Other names: c.1211C>A, p.Thr404Lys (NM_001317122.2); c.986C>A, p.Thr329Lys (NM_001317123.2); short protein forms T329K, T404K.
Identifiers: ClinVar variation 4984175 (VCV004984175.1).

ClinVar aggregate classification (germline): Uncertain significance (1 of 4 stars; one submission).

Conditions:
AGO1-related disorder. Also called: AGO1-related condition.

Submission:

PreventionGenetics, part of Exact Sciences
Classification: Uncertain significance for AGO1-related condition. Last evaluated: 2026-09-15. Review status: criteria provided, single submitter. Criteria: ACMG Guidelines, 2015. Collection method: clinical testing. Allele origin: germline.
Comment: The AGO1 c.1211C>A variant is predicted to result in the amino acid substitution p.Thr404Lys. To our knowledge, this variant has not been reported in the literature or in a large population database (gnomAD), indicating this variant is rare. At this time, the clinical significance of this variant is uncertain due to the absence of conclusive functional and genetic evidence.